The following is an entry in ClinVar:

NM_001256789.3(CACNA1F):c.3236+5G>A

Gene: CACNA1F (calcium voltage-gated channel subunit alpha1 F; minus strand). Cytogenetic location: Xp11.23.
Variant type: single nucleotide variant.
Coding change: c.3236+5G>A on transcript NM_001256789.3 (MANE Select); 5 bases into the intron after coding-DNA position 3236, G replaced by A.
Molecular consequence: intron variant.
Genome position (GRCh38, 1-based): chrX:49,216,377, C>T on the plus strand (G>A on the coding strand, the complement: CACNA1F is on the minus strand). VCF-style: chrX-49216377-C-T. GRCh37 (hg19) VCF-style: chrX-49072837-C-T.
Other names: c.3269+5G>A (NM_005183.4); c.3074+5G>A (NM_001256790.3).
Identifiers: ClinVar variation 4291953 (VCV004291953.1).
Genomic context (GRCh38, chrX:49,216,377, plus strand): 5'-TCCCAACCCAATCCTGCAGAGACCCCTGCCTCATCCCCTGATAAACCCAGGGCCCTGTCC[C>T]TCACGCAGGCCAGCCTTCAAAGGTGGAGACAGTGAACAGGGCCATCATGGCTGAAAGGAC-3'

ClinVar aggregate classification (germline): Uncertain significance (1 of 4 stars; one submission).

Conditions:
Congenital stationary night blindness 2A (CSNB2A). Also called: CSNB, INCOMPLETE, X-LINKED; CACNA1F-Related X-Linked Congenital Stationary Night Blindness; NIGHT BLINDNESS, CONGENITAL STATIONARY, TYPE 2; Night blindness, congenital stationary (incomplete), 2A, X-linked. Identifiers: Orphanet 215, MedGen C1848172, MONDO:0010241, OMIM 300071.

Submission:

3billion
Classification: Uncertain significance for Congenital stationary night blindness 2A. Last evaluated: 2024-07-26. Review status: criteria provided, single submitter. Criteria: ACMG Guidelines, 2015. Collection method: clinical testing. Allele origin: germline. Affected: yes.
Comment: The variant is not observed in the gnomAD v4.0.0 dataset. Predicted Consequence/Location: Intron variant In silico tools predict the variant to alter splicing and produce an abnormal transcript [SpliceAI: 0.79 (>=0.2, moderate evidence for spliceogenicity)]. Therefore, this variant is classified as VUS according to the recommendation of ACMG/AMP guideline.